The following is an entry in ClinVar:

ClinVar aggregate classification (germline): Likely benign (1 of 4 stars; one submission).

Allele frequency attached by ClinVar (database versions not stated): gnomAD 0.00001; ExAC 0.00027.

Submission:

CeGaT Center for Human Genetics Tuebingen
Classification: Likely benign. Last evaluated: 2024-07-01. Review status: criteria provided, single submitter. Criteria: CeGaT Center For Human Genetics Tuebingen Variant Classification Criteria Version 2. Collection method: clinical testing. Allele origin: germline. Affected: yes. Observed: 4 variant alleles.
Comment: IGFN1: BP4, BP7

NM_001164586.2(IGFN1):c.5877G>A (p.Lys1959=)

Gene: IGFN1 (immunoglobulin like and fibronectin type III domain containing 1; plus strand). Cytogenetic location: 1q32.1.
Variant type: single nucleotide variant.
Coding change: c.5877G>A on transcript NM_001164586.2 (MANE Select); coding-DNA position 5877, G replaced by A.
Protein change: p.Lys1959=; no amino-acid change (lysine 1959 retained).
Molecular consequence: synonymous variant. On other transcripts: intron variant (1).
Genome position (GRCh38, 1-based): chr1:201,210,770, G>A. VCF-style: chr1-201210770-G-A. GRCh37 (hg19) VCF-style: chr1-201179898-G-A.
Other names: c.1242-2736G>A (NM_001367841.1).
Identifiers: ClinVar variation 2639759 (VCV002639759.24), dbSNP rs747417206, ClinGen allele CA1322657.